The following is an entry in ClinVar:

NM_001142633.3(PIK3R5):c.276A>G (p.Thr92=)

Gene: PIK3R5 (phosphoinositide-3-kinase regulatory subunit 5; minus strand). Cytogenetic location: 17p13.1.
Variant type: single nucleotide variant.
Coding change: c.276A>G on transcript NM_001142633.3 (MANE Select); coding-DNA position 276, A replaced by G.
Protein change: p.Thr92=; no amino-acid change (threonine 92 retained).
Molecular consequence: synonymous variant. On other transcripts: 5 prime UTR variant (8).
Genome position (GRCh38, 1-based): chr17:8,904,913, T>C on the plus strand (A>G on the coding strand, the complement: PIK3R5 is on the minus strand). VCF-style: chr17-8904913-T-C. GRCh37 (hg19) VCF-style: chr17-8808230-T-C.
Other names: c.-945A>G (NM_001251851.2); c.-883A>G (NM_001251852.2, NM_001388399.1); c.-729A>G (NM_001251853.2, NM_001388400.1); c.-708A>G (NM_001251855.2); c.276A>G, p.Thr92= (NM_001388396.1, NM_014308.4); c.-881A>G (NM_001388397.1); c.-960A>G (NM_001388398.1).
Identifiers: ClinVar variation 3905750 (VCV003905750.10).
Genomic context (GRCh38, chr17:8,904,913, plus strand): 5'-GAACCGGTGGTAGGTGCTGGCTGCCTTCAGAAGGAGATCCGAGTCTGGTGGGAAGTGTGG[T>C]GTCTAGGATGGAGGCAGGCAACAAGCAAAGAGATCTAGGTGAGAAAAGGCTCAGATAGTC-3'
Protein context (NP_001136105.1, residues 82-102): ALLFYSTVLC[Thr92=]PHFPPDSDLL

ClinVar aggregate classification (germline): Likely benign (1 of 4 stars; one submission).

Submission:

CeGaT Center for Human Genetics Tuebingen
Classification: Likely benign. Last evaluated: 2025-04-01. Review status: criteria provided, single submitter. Criteria: CeGaT Center For Human Genetics Tuebingen Variant Classification Criteria Version 2. Collection method: clinical testing. Allele origin: germline. Affected: yes. Observed: 1 variant allele.
Comment: PIK3R5: PM2:Supporting, BP4, BP7